The following is an entry in ClinVar:

ClinVar aggregate classification (germline): Pathogenic. Review status: criteria provided, multiple submitters, no conflicts (2 of 4 stars). 2 submissions from 2 submitters: Pathogenic (2). Last evaluated 2026-08-25.

Conditions:
Recessive dystrophic epidermolysis bullosa (RDEB). Also called: Recessive DEB (RDEB); DYSTROPHIC EPIDERMOLYSIS BULLOSA, AUTOSOMAL RECESSIVE; EPIDERMOLYSIS BULLOSA DYSTROPHICA, HALLOPEAU-SIEMENS TYPE; Epidermolysis Bullosa Distrophica Autosomal Recessive (RDEB); epidermolysis bullosa dystrophica, autosomal recessive; Hallopeau-Siemens Disease. Identifiers: Orphanet 79408, Orphanet 79409, MedGen C0079474, MONDO:0009179, OMIM 226600.

Submissions (2):

Myriad Genetics, Inc.
Classification: Pathogenic for Recessive dystrophic epidermolysis bullosa. Last evaluated: 2026-08-25. Review status: criteria provided, single submitter. Criteria: Myriad Autosomal Dominant, Autosomal Recessive and X-Linked Classification Criteria (2023). Collection method: clinical testing. Allele origin: unknown.
Comment: NM_000094.3(COL7A1):c.1672_1675delACAG(T558Hfs*56) is expected to be pathogenic in the context of dystrophic epidermolysis bullosa. This variant is predicted to lead to an abnormal or absent protein product due to the creation of a premature termination codon in COL7A1, a gene where loss-of-function variants are known to be pathogenic. Please note: this variant was assessed in the context of healthy population screening.

Labcorp Genetics (formerly Invitae), Labcorp
Classification: Pathogenic. Last evaluated: 2022-01-17. Review status: criteria provided, single submitter. Criteria: Invitae Variant Classification Sherloc (09022015). Collection method: clinical testing. Allele origin: germline.
Comment: This sequence change creates a premature translational stop signal (p.Thr558Hisfs*56) in the COL7A1 gene. It is expected to result in an absent or disrupted protein product. Loss-of-function variants in COL7A1 are known to be pathogenic (PMID: 16971478). This variant is not present in population databases (gnomAD no frequency). This variant has not been reported in the literature in individuals affected with COL7A1-related conditions. For these reasons, this variant has been classified as Pathogenic.

Literature cited by the submitters: PubMed 16971478 (cited by Labcorp Genetics (formerly Invitae), Labcorp).

NM_000094.4(COL7A1):c.1672_1675del (p.Thr558fs)

Gene: COL7A1 (collagen type VII alpha 1 chain; minus strand). Cytogenetic location: 3p21.31.
Variant type: Deletion.
Coding change: c.1672_1675del on transcript NM_000094.4 (MANE Select); coding-DNA positions 1672 to 1675, 4 bases deleted (ACAG; older notation c.1672_1675delACAG).
Protein change: p.Thr558fs; shifts the reading frame from threonine 558.
Molecular consequence: frameshift variant.
Genome position (GRCh38, 1-based): chr3:48,590,778-48,590,781, CTGT deleted on the plus strand (ACAG on the coding strand, the reverse complement: COL7A1 is on the minus strand); deleting any 4 consecutive bases within chr3:48,590,778-48,590,784 gives the same sequence; the c. name uses the placement nearest the transcript's 3' end. VCF-style (leftmost placement, unchanged base first): chr3-48590777-GCTGT-G. GRCh37 (hg19) VCF-style: chr3-48628210-GCTGT-G.
Other names: short protein forms T558fs.
Identifiers: ClinVar variation 2086714 (VCV002086714.5), dbSNP rs2531299956, ClinGen allele CA2580070032.